The following is an entry in ClinVar:

ClinVar aggregate classification (germline): Uncertain significance (1 of 4 stars; one submission).

Conditions:
Hereditary cancer-predisposing syndrome. Also called: Hereditary Cancer Syndrome; Hereditary neoplastic syndrome; Neoplastic Syndromes, Hereditary; Tumor predisposition. Identifiers: Orphanet 140162, MedGen C0027672, MeSH D009386, MONDO:0015356.

Submission:

Ambry Genetics
Classification: Uncertain significance for Hereditary cancer-predisposing syndrome. Last evaluated: 2020-10-15. Review status: criteria provided, single submitter. Criteria: Ambry Variant Classification Scheme 2023. Collection method: clinical testing. Allele origin: germline.
Comment: The p.A134G variant (also known as c.401C>G), located in coding exon 2 of the CDKN2A gene, results from a C to G substitution at nucleotide position 401. The alanine at codon 134 is replaced by glycine, an amino acid with similar properties. This amino acid position is poorly conserved in available vertebrate species. In addition, this alteration is predicted to be tolerated by in silico analysis. Since supporting evidence is limited at this time, the clinical significance of this alteration remains unclear.

NM_000077.5(CDKN2A):c.401C>G (p.Ala134Gly)

Gene: CDKN2A (cyclin dependent kinase inhibitor 2A; minus strand). Cytogenetic location: 9p21.3.
Variant type: single nucleotide variant.
Coding change: c.401C>G on transcript NM_000077.5; coding-DNA position 401, C replaced by G.
Protein change: p.Ala134Gly; replaces alanine 134 with glycine.
Molecular consequence: missense variant (on NM_000077.6). On other transcripts: 3 prime UTR variant (2).
Genome position (GRCh38, 1-based): chr9:21,970,958, G>C on the plus strand (C>G on the coding strand, the complement: CDKN2A is on the minus strand). VCF-style: chr9-21970958-G-C. GRCh37 (hg19) VCF-style: chr9-21970957-G-C.
Other names: c.401C>G, p.Ala134Gly (NM_000077.6, NM_001195132.2); c.248C>G, p.Ala83Gly (NM_001363763.2); c.*45C>G (NM_058195.4); c.*324C>G (NM_058197.5); short protein forms A134G, A83G.
Identifiers: ClinVar variation 1737089 (VCV001737089.2), dbSNP rs757497674, ClinGen allele CA373085910.